The following is an entry in ClinVar:

NM_002335.4(LRP5):c.2740G>A (p.Gly914Arg)

Gene: LRP5 (LDL receptor related protein 5; plus strand). Cytogenetic location: 11q13.2.
Variant type: single nucleotide variant.
Coding change: c.2740G>A on transcript NM_002335.4 (MANE Select); coding-DNA position 2740, G replaced by A.
Protein change: p.Gly914Arg; replaces glycine 914 with arginine.
Molecular consequence: missense variant.
Genome position (GRCh38, 1-based): chr11:68,413,925, G>A. VCF-style: chr11-68413925-G-A. GRCh37 (hg19) VCF-style: chr11-68181393-G-A.
Other names: c.997G>A, p.Gly333Arg (NM_001291902.2); c.2740G>A (NM_002335.2); short protein forms G333R, G914R.
Identifiers: ClinVar variation 1950863 (VCV001950863.6), dbSNP rs2098661042, ClinGen allele CA381618853.

ClinVar aggregate classification (germline): Uncertain significance. Review status: criteria provided, multiple submitters, no conflicts (2 of 4 stars). 2 submissions from 2 submitters: Uncertain significance (2). Last evaluated 2025-02-24.

Allele frequency attached by ClinVar (database versions not stated): gnomAD exomes below 0.00001; TOPMed below 0.00001.
gnomAD v4.1: 1 of 1,611,842 alleles (0.000062%); highest among the groups gnomAD compares: Admixed American, 0.0017%; no homozygotes.

Submissions (2):

Labcorp Genetics (formerly Invitae), Labcorp
Classification: Uncertain significance. Last evaluated: 2025-02-24. Review status: criteria provided, single submitter. Criteria: Invitae Variant Classification Sherloc (09022015). Collection method: clinical testing. Allele origin: germline.
Comment: This sequence change replaces glycine, which is neutral and non-polar, with arginine, which is basic and polar, at codon 914 of the LRP5 protein (p.Gly914Arg). This variant is not present in population databases (gnomAD no frequency). This variant has not been reported in the literature in individuals affected with LRP5-related conditions. ClinVar contains an entry for this variant (Variation ID: 1950863). Invitae Evidence Modeling of protein sequence and biophysical properties (such as structural, functional, and spatial information, amino acid conservation, physicochemical variation, residue mobility, and thermodynamic stability) indicates that this missense variant is not expected to disrupt LRP5 protein function with a negative predictive value of 95%. In summary, the available evidence is currently insufficient to determine the role of this variant in disease. Therefore, it has been classified as a Variant of Uncertain Significance.

GeneDx
Classification: Uncertain significance. Last evaluated: 2023-10-13. Review status: criteria provided, single submitter. Criteria: GeneDx Variant Classification Process June 2021. Collection method: clinical testing. Allele origin: germline. Affected: yes.
Comment: Not observed at significant frequency in large population cohorts (gnomAD); In silico analysis supports that this missense variant does not alter protein structure/function; Has not been previously published as pathogenic or benign to our knowledge